The following is an entry in ClinVar:

NM_015937.6(PIGT):c.1646G>A (p.Arg549Gln)

Gene: PIGT (phosphatidylinositol glycan anchor biosynthesis class T; plus strand). Cytogenetic location: 20q13.12.
Variant type: single nucleotide variant.
Coding change: c.1646G>A on transcript NM_015937.6 (MANE Select); coding-DNA position 1646, G replaced by A.
Protein change: p.Arg549Gln; replaces arginine 549 with glutamine.
Molecular consequence: missense variant. On other transcripts: non-coding transcript variant (5).
Genome position (GRCh38, 1-based): chr20:45,425,735, G>A. VCF-style: chr20-45425735-G-A. GRCh37 (hg19) VCF-style: chr20-44054375-G-A.
Other names: c.1646G>A (NM_015937.4, NM_015937.5); c.1478G>A, p.Arg493Gln (NM_001184728.3); c.1445G>A, p.Arg482Gln (NM_001184729.3); c.1340G>A, p.Arg447Gln (NM_001184730.3); short protein forms R447Q, R549Q, R482Q, R493Q.
Identifiers: ClinVar variation 2720362 (VCV002720362.5), dbSNP rs938481945, ClinGen allele CA315580037.
Genomic context (GRCh38, chr20:45,425,735, plus strand): 5'-TCTGCCTCACGTGCACTGTGGTGGCCGTGTGCTATGGCTCCTTCTACAATCTCCTCACCC[G>A]AACCTTCCACATCGAGGAGCCCCGCACAGGTGGCCTGGCCAAGCGGCTGGCCAACCTTAT-3'
Protein context (NP_057021.2, residues 539-559): CYGSFYNLLT[Arg549Gln]TFHIEEPRTG

ClinVar aggregate classification (germline): Uncertain significance. Review status: criteria provided, multiple submitters, no conflicts (2 of 4 stars). 3 submissions from 3 submitters: Uncertain significance (3). Last evaluated 2025-05-30.

Conditions:
Inborn genetic diseases. Identifiers: MedGen C0950123, MeSH D030342.
Multiple congenital anomalies-hypotonia-seizures syndrome 3 (MCAHS3). Also called: GLYCOSYLPHOSPHATIDYLINOSITOL BIOSYNTHESIS DEFECT 7. Identifiers: Orphanet 369837, MedGen C3809356, MONDO:0014165, OMIM 615398.

Allele frequency attached by ClinVar (database versions not stated): gnomAD 0.00003.
gnomAD v4.1: 7 of 1,613,992 alleles (0.00043%); highest among the groups gnomAD compares: African/African-American, 0.0053%; no homozygotes.

Submissions (3):

Ambry Genetics
Classification: Uncertain significance for Inborn genetic diseases. Last evaluated: 2025-05-30. Review status: criteria provided, single submitter. Criteria: Ambry Variant Classification Scheme 2023. Collection method: clinical testing. Allele origin: germline.

GeneDx
Classification: Uncertain significance. Last evaluated: 2025-03-18. Review status: criteria provided, single submitter. Criteria: GeneDx Variant Classification Process June 2021. Collection method: clinical testing. Allele origin: germline. Affected: yes.
Comment: In silico analysis indicates that this missense variant does not alter protein structure/function; Has not been previously published as pathogenic or benign to our knowledge

Labcorp Genetics (formerly Invitae), Labcorp
Classification: Uncertain significance for Multiple congenital anomalies-hypotonia-seizures syndrome 3. Last evaluated: 2023-03-02. Review status: criteria provided, single submitter. Criteria: Invitae Variant Classification Sherloc (09022015). Collection method: clinical testing. Allele origin: germline.
Comment: This variant is present in population databases (no rsID available, gnomAD 0.02%). This sequence change replaces arginine, which is basic and polar, with glutamine, which is neutral and polar, at codon 549 of the PIGT protein (p.Arg549Gln). This variant has not been reported in the literature in individuals affected with PIGT-related conditions. In summary, the available evidence is currently insufficient to determine the role of this variant in disease. Therefore, it has been classified as a Variant of Uncertain Significance. Advanced modeling of protein sequence and biophysical properties (such as structural, functional, and spatial information, amino acid conservation, physicochemical variation, residue mobility, and thermodynamic stability) performed at Invitae indicates that this missense variant is expected to disrupt PIGT protein function.